The following is an entry in ClinVar:

NM_000531.6(OTC):c.583G>A (p.Gly195Arg)

Gene: OTC (ornithine transcarbamylase; plus strand). Cytogenetic location: Xp11.4.
Variant type: single nucleotide variant.
Coding change: c.583G>A on transcript NM_000531.6 (MANE Select); coding-DNA position 583, G replaced by A.
Protein change: p.Gly195Arg; replaces glycine 195 with arginine.
Molecular consequence: missense variant.
Genome position (GRCh38, 1-based): chrX:38,403,660, G>A. VCF-style: chrX-38403660-G-A. GRCh37 (hg19) VCF-style: chrX-38262913-G-A.
Other names: p.G195R:GGG>AGG; short protein forms G195R.
Identifiers: ClinVar variation 97255 (VCV000097255.18), dbSNP rs67294955, ClinGen allele CA285807.

ClinVar aggregate classification (germline): Pathogenic. Review status: criteria provided, multiple submitters, no conflicts (2 of 4 stars). 6 submissions from 6 submitters: Pathogenic (5). 1 of the submissions does not count toward it. Last evaluated 2025-06-12.

Conditions:
Ornithine carbamoyltransferase deficiency (OTCD). Also called: ORNITHINE TRANSCARBAMYLASE DEFICIENCY; ORNITHINE TRANSCARBAMYLASE DEFICIENCY, HYPERAMMONEMIA DUE TO; Ornithine Carbamoyltransferase Deficiency Disease; OTC DEFICIENCY. Identifiers: Orphanet 664, MedGen C0268542, MONDO:0010703, OMIM 311250.

Submissions (6):

GeneDx
Classification: Pathogenic. Last evaluated: 2025-06-12. Review status: criteria provided, single submitter. Criteria: GeneDx Variant Classification Process June 2021. Collection method: clinical testing. Allele origin: germline. Affected: yes.
Comment: Published functional studies found this variant is associated with significantly reduced enzyme activity (PMID: 9609999, 37146589); Not observed in large population cohorts (gnomAD); In silico analysis supports that this missense variant has a deleterious effect on protein structure/function; This variant is associated with the following publications: (PMID: 8786061, 34014557, 9286441, 8112735, 9609999, 32778825, 33272297, 30175132, 7951259, 32934962, 17041896, 37593415, 22728053, 17044854, 29623395, 37146589, 19138872, 32034732, 28324312)

Dasa
Classification: Pathogenic. Last evaluated: 2025-05-19. Review status: criteria provided, single submitter. Criteria: DASA Assertion Criteria. Collection method: clinical testing. Allele origin: germline.
Comment: NM_000531.6(OTC):c.583G>A (p.Gly195Arg) is a missense variant that results in the substitution of glycine with arginine. The affected residue or protein region has prior evidence supporting clinical relevance. Functional evidence supports a deleterious effect on the gene or gene product (PMID: 7951259; PMID: 9609999; PMID: 25433810; PMID: 30175132; PMID: 37146589). This variant has been recurrently observed in individuals with related phenotype (PMID: 7951259; PMID: 9609999; PMID: 25433810; PMID: 30175132; PMID: 37146589). Multiple computational predictions support a deleterious effect on the gene or gene product. The variant is present at low frequency in population datasets. Based on the available data, this variant is classified as pathogenic.

Labcorp Genetics (formerly Invitae), Labcorp
Classification: Pathogenic for Ornithine carbamoyltransferase deficiency. Last evaluated: 2025-04-07. Review status: criteria provided, single submitter. Criteria: Invitae Variant Classification Sherloc (09022015). Collection method: clinical testing. Allele origin: germline.
Comment: This sequence change replaces glycine, which is neutral and non-polar, with arginine, which is basic and polar, at codon 195 of the OTC protein (p.Gly195Arg). This variant is not present in population databases (gnomAD no frequency). This missense change has been observed in individual(s) with OTC deficiency (PMID: 7951259, 9609999, 25433810, 30175132). ClinVar contains an entry for this variant (Variation ID: 97255). Invitae Evidence Modeling of protein sequence and biophysical properties (such as structural, functional, and spatial information, amino acid conservation, physicochemical variation, residue mobility, and thermodynamic stability) indicates that this missense variant is expected to disrupt OTC protein function with a positive predictive value of 95%. Experimental studies have shown that this missense change affects OTC function (PMID: 9609999). For these reasons, this variant has been classified as Pathogenic.

Clinical Genomics Laboratory, Stanford Medicine
Classification: Pathogenic for Ornithine carbamoyltransferase deficiency. Last evaluated: 2023-08-24. Review status: criteria provided, single submitter. Criteria: ACMG Guidelines, 2015. Collection method: clinical testing. Allele origin: maternal. Inheritance: X-linked inheritance. Affected: yes. Observed: 1 variant allele, 1 hemizygote.
Comment: The p.Gly195Arg variant in the OTC gene has been previously reported in many individuals affected with ornithine transcarbamylase deficiency (Tuchman et al., 1994; Martín-Hernández et al., 2014; Ali et al., 2018; Lu et al., 2020). This variant was absent from large population databases, including the Genome Aggregation Database. This variant is present in ClinVar (VCV000097255.13). Functional studies have demonstrated that this variant results in significantly reduced enzyme activity (Kogo et al., 1998). Other disease-associated variants have been described nearby and at this amino acid residue (p.Trp193Gly, p.Trp193Arg, p.Trp193Cys, p.Gly195Ala, p.Asp196Tyr, p.Asp196Asn, p.Asp196Val, p.Asp196Glu). The glycine at position 195 is strongly evolutionarily conserved. Computational tools predict that the p.Gly195Arg variant is deleterious; however, the accuracy of in silico algorithms is limited. These data were assessed using the ACMG/AMP variant interpretation guidelines. In summary, there is sufficient evidence to classify the p.Gly195Arg variant as pathogenic for X-linked ornithine transcarbamylase deficiency based on the information above. [ACMG evidence codes used: PS4; PM2; PS3_Moderate; PP3; PM1_Supporting]

Genome-Nilou Lab
Classification: Pathogenic for Ornithine carbamoyltransferase deficiency. Last evaluated: 2021-11-07. Review status: criteria provided, single submitter. Criteria: ACMG Guidelines, 2015. Collection method: clinical testing. Allele origin: germline. Affected: no.

GenMed Metabolism Lab
Classification: Pathogenic. Review status: no assertion criteria provided. Collection method: not provided. Allele origin: unknown. Not counted in ClinVar's aggregate classification.
Comment: p.Gly195Arg, Neonatal, CpG dinucleotide, expression studies show no activity and reduced OTC protein
ClinVar note: Converted during submission from pathogenic to Pathogenic.

Literature cited by the submitters: PubMed 7951259 (cited by 3 submitters); PubMed 9609999 (cited by 3 submitters); PubMed 25433810 (cited by 3 submitters); PubMed 30175132 (cited by 3 submitters); PubMed 37146589 (cited by Dasa); PubMed 33272297 (cited by Clinical Genomics Laboratory, Stanford Medicine).